The following is an entry in ClinVar:

NM_000392.5(ABCC2):c.2621-8C>T

Genes: ABCC2 (ATP binding cassette subfamily C member 2; plus strand), LOC126861012 (BRD4-independent group 4 enhancer GRCh37_chr10:101589748-101590947; plus strand). Cytogenetic location: 10q24.2.
Variant type: single nucleotide variant.
Coding change: c.2621-8C>T on transcript NM_000392.5 (MANE Select); 8 bases into the intron before coding-DNA position 2621, C replaced by T.
Molecular consequence: intron variant.
Genome position (GRCh38, 1-based): chr10:99,830,299, C>T. VCF-style: chr10-99830299-C-T. GRCh37 (hg19) VCF-style: chr10-101590056-C-T.
Identifiers: ClinVar variation 4994163 (VCV004994163.1).

ClinVar aggregate classification (germline): Likely benign (1 of 4 stars; one submission).

Conditions:
ABCC2-related disorder. Also called: ABCC2-related condition.

Submission:

PreventionGenetics, part of Exact Sciences
Classification: Likely benign for ABCC2-related condition. Last evaluated: 2026-08-28. Review status: criteria provided, single submitter. Criteria: ACMG Guidelines, 2015. Collection method: clinical testing. Allele origin: germline.
Comment: This variant is classified as likely benign based on ACMG/AMP sequence variant interpretation guidelines (Richards et al. 2015 PMID: 25741868, with internal and published modifications).